The following is an entry in ClinVar:

ClinVar aggregate classification (germline): Likely benign (1 of 4 stars; one submission).

Allele frequency attached by ClinVar (database versions not stated): 1000 Genomes Project 0.00799; 1000 Genomes Project 30x 0.00874; ESP Exome Variant Server 0.01100.
gnomAD v4.1: 2,484 of 1,507,750 alleles (0.16%); highest among the groups gnomAD compares: African/African-American, 2.9%; 33 homozygotes.

Submission:

GeneDx
Classification: Likely benign. Last evaluated: 2022-01-11. Review status: criteria provided, single submitter. Criteria: GeneDx Variant Classification Process June 2021. Collection method: clinical testing. Allele origin: germline. Affected: yes.
Comment: See Variant Classification Assertion Criteria.

NM_002340.6(LSS):c.647+32G>A

Gene: LSS (lanosterol synthase; minus strand). Cytogenetic location: 21q22.3.
Variant type: single nucleotide variant.
Coding change: c.647+32G>A on transcript NM_002340.6 (MANE Select); 32 bases into the intron after coding-DNA position 647, G replaced by A.
Molecular consequence: intron variant.
Genome position (GRCh38, 1-based): chr21:46,219,444, C>T on the plus strand (G>A on the coding strand, the complement: LSS is on the minus strand). VCF-style: chr21-46219444-C-T. GRCh37 (hg19) VCF-style: chr21-47639358-C-T.
Other names: c.614+32G>A (NM_001145436.2); c.647+32G>A (NM_001001438.3); c.407+32G>A (NM_001145437.2).
Identifiers: ClinVar variation 1696908 (VCV001696908.2), dbSNP rs114475730, ClinGen allele CA10075387.